The following is an entry in ClinVar:

ClinVar aggregate classification (germline): Likely benign. Review status: criteria provided, multiple submitters, no conflicts (2 of 4 stars). 4 submissions from 4 submitters: Likely benign (4). Last evaluated 2025-01-30.

Conditions:
Cardiovascular phenotype. Identifiers: MedGen CN230736.
Cardiac arrhythmia. Also called: Cardiac rhythm disease; Arrhythmia. Identifiers: MedGen C0003811, MONDO:0007263, HP:0011675.
Long QT syndrome (LQTS). Identifiers: MedGen C0023976, MeSH D008133, MONDO:0002442. Disease mechanism: loss of function. Inheritance: Various modes of inheritance.

Allele frequency attached by ClinVar (database versions not stated): gnomAD exomes below 0.00001.
gnomAD v4.1: 2 of 1,569,280 alleles (0.00013%); highest among the groups gnomAD compares: Non-Finnish European, 0.00017%; no homozygotes.

Submissions (4):

Labcorp Genetics (formerly Invitae), Labcorp
Classification: Likely benign for Long QT syndrome. Last evaluated: 2025-01-30. Review status: criteria provided, single submitter. Criteria: Invitae Variant Classification Sherloc (09022015). Collection method: clinical testing. Allele origin: germline.

All of Us Research Program, National Institutes of Health
Classification: Likely benign for Long QT syndrome. Last evaluated: 2023-05-30. Review status: criteria provided, single submitter. Criteria: ACMG Guidelines, 2015. Collection method: clinical testing. Allele origin: germline. Inheritance: Autosomal dominant inheritance. Observed: 1 variant allele, 1 heterozygote.
Comment: This study involves interpretation of variants in research participants for the purpose of population health screening. Participant phenotype was not available at the time of variant classification. Additional details can be found in publication PMID: 35346344, PMCID: PMC8962531

Color Diagnostics, LLC DBA Color Health
Classification: Likely benign for Cardiac arrhythmia. Last evaluated: 2021-09-07. Review status: criteria provided, single submitter. Criteria: ACMG Guidelines, 2015. Collection method: clinical testing. Allele origin: germline.

Ambry Genetics
Classification: Likely benign for Cardiovascular phenotype. Last evaluated: 2020-12-23. Review status: criteria provided, single submitter. Criteria: Ambry Variant Classification Scheme 2023. Collection method: clinical testing. Allele origin: germline.

NM_000218.3(KCNQ1):c.1846C>T (p.Leu616=)

Genes: KCNQ1 (potassium voltage-gated channel subfamily Q member 1; plus strand), KCNQ1-AS1 (KCNQ1 antisense RNA 1; minus strand). Cytogenetic location: 11p15.4.
Variant type: single nucleotide variant.
Coding change: c.1846C>T on transcript NM_000218.3 (MANE Select); coding-DNA position 1846, C replaced by T.
Protein change: p.Leu616=; no amino-acid change (leucine 616 retained).
Molecular consequence: synonymous variant.
Genome position (GRCh38, 1-based): chr11:2,847,818, C>T. VCF-style: chr11-2847818-C-T. GRCh37 (hg19) VCF-style: chr11-2869048-C-T.
Other names: c.1750C>T, p.Leu584= (NM_001406836.1); c.1576C>T, p.Leu526= (NM_001406837.1); c.1306C>T, p.Leu436= (NM_001406838.1); c.358C>T, p.Leu120= (NM_001406839.1); c.1465C>T, p.Leu489= (NM_181798.2).
Identifiers: ClinVar variation 1781251 (VCV001781251.7), dbSNP rs2494325964, ClinGen allele CA472466267.
Genomic context (GRCh38, chr11:2,847,818, plus strand): 5'-TCCCCGCAGGTGACGCAGCTGGACCAGAGGCTGGCACTCATCACCGACATGCTTCACCAG[C>T]TGCTCTCCTTGCACGGTGGCAGCACCCCCGGCAGCGGCGGCCCCCCCAGAGAGGGCGGGG-3'
Protein context (NP_000209.2, residues 606-626): LALITDMLHQ[Leu616=]LSLHGGSTPG